The following is an entry in ClinVar:

ClinVar aggregate classification (germline): Uncertain significance (1 of 4 stars; one submission).

Submission:

GeneDx
Classification: Uncertain significance. Last evaluated: 2025-06-11. Review status: criteria provided, single submitter. Criteria: GeneDx Variant Classification Process June 2021. Collection method: clinical testing. Allele origin: germline. Affected: yes.
Comment: In silico analysis supports that this missense variant has a deleterious effect on protein structure/function; In silico analysis is inconclusive as to whether the variant alters gene splicing. In the absence of RNA/functional studies, the actual effect of this sequence change is unknown.; Not observed at significant frequency in large population cohorts (gnomAD); Has not been previously published as pathogenic or benign to our knowledge

NM_001256012.3(MYH10):c.2273G>A (p.Arg758Lys)

Gene: MYH10 (myosin heavy chain 10; minus strand). Cytogenetic location: 17p13.1.
Variant type: single nucleotide variant.
Coding change: c.2273G>A on transcript NM_001256012.3 (MANE Select); coding-DNA position 2273, G replaced by A.
Protein change: p.Arg758Lys; replaces arginine 758 with lysine.
Molecular consequence: missense variant.
Genome position (GRCh38, 1-based): chr17:8,520,878, C>T on the plus strand (G>A on the coding strand, the complement: MYH10 is on the minus strand). VCF-style: chr17-8520878-C-T. GRCh37 (hg19) VCF-style: chr17-8424196-C-T.
Other names: c.2207G>A, p.Arg736Lys (NM_001256095.2); c.2210G>A, p.Arg737Lys (NM_001375266.1); c.2180G>A, p.Arg727Lys (NM_005964.5); short protein forms R727K, R736K, R737K, R758K.
Identifiers: ClinVar variation 4537717 (VCV004537717.1).